The following is an entry in ClinVar:

ClinVar aggregate classification (germline): Likely benign (1 of 4 stars; one submission).

Allele frequency attached by ClinVar (database versions not stated): gnomAD exomes below 0.00001.
gnomAD v4.1: 1 of 1,614,246 alleles (0.000062%); highest among the groups gnomAD compares: Non-Finnish European, 0.000085%; no homozygotes.

Submission:

CeGaT Center for Human Genetics Tuebingen
Classification: Likely benign. Last evaluated: 2023-02-01. Review status: criteria provided, single submitter. Criteria: CeGaT Center For Human Genetics Tuebingen Variant Classification Criteria Version 2. Collection method: clinical testing. Allele origin: germline. Affected: yes. Observed: 1 variant allele.
Comment: TBATA: PM2:Supporting, BP4, BP7

NM_001318241.2(TBATA):c.81C>T (p.Arg27=)

Gene: TBATA (thymus, brain and testes associated; minus strand). Cytogenetic location: 10q22.1.
Variant type: single nucleotide variant.
Coding change: c.81C>T on transcript NM_001318241.2 (MANE Select); coding-DNA position 81, C replaced by T.
Protein change: p.Arg27=; no amino-acid change (arginine 27 retained).
Molecular consequence: synonymous variant. On other transcripts: non-coding transcript variant (5).
Genome position (GRCh38, 1-based): chr10:70,781,997, G>A on the plus strand (C>T on the coding strand, the complement: TBATA is on the minus strand). VCF-style: chr10-70781997-G-A. GRCh37 (hg19) VCF-style: chr10-72541753-G-A.
Other names: c.81C>T, p.Arg27= (NM_001318243.2, NM_152710.4, NM_001318242.2).
Identifiers: ClinVar variation 2640560 (VCV002640560.24), dbSNP rs2492531635, ClinGen allele CA470280681.